The following is an entry in ClinVar:

NM_004046.6(ATP5F1A):c.289G>C (p.Glu97Gln)

Gene: ATP5F1A (ATP synthase F1 subunit alpha; minus strand). Cytogenetic location: 18q21.1.
Variant type: single nucleotide variant.
Coding change: c.289G>C on transcript NM_004046.6 (MANE Select); coding-DNA position 289, G replaced by C.
Protein change: p.Glu97Gln; replaces glutamic acid 97 with glutamine.
Molecular consequence: missense variant.
Genome position (GRCh38, 1-based): chr18:46,091,702, C>G on the plus strand (G>C on the coding strand, the complement: ATP5F1A is on the minus strand). VCF-style: chr18-46091702-C-G. GRCh37 (hg19) VCF-style: chr18-43671668-C-G.
Other names: c.139G>C, p.Glu47Gln (NM_001001935.3, NM_001257335.2); c.289G>C, p.Glu97Gln (NM_001001937.2, NM_001257334.2); short protein forms E47Q, E97Q.
Identifiers: ClinVar variation 3457660 (VCV003457660.3).

ClinVar aggregate classification (germline): Uncertain significance. Review status: criteria provided, multiple submitters, no conflicts (2 of 4 stars). 3 submissions from 3 submitters: Uncertain significance (3). Last evaluated 2025-05-23.

Conditions:
Inborn genetic diseases. Identifiers: MedGen C0950123, MeSH D030342.

gnomAD v4.1: 16 of 1,606,568 alleles (0.001%); highest among the groups gnomAD compares: East Asian, 0.013%; no homozygotes.

Submissions (3):

Labcorp Genetics (formerly Invitae), Labcorp
Classification: Uncertain significance. Last evaluated: 2025-05-23. Review status: criteria provided, single submitter. Criteria: Invitae Variant Classification Sherloc (09022015). Collection method: clinical testing. Allele origin: germline.
Comment: This sequence change replaces glutamic acid, which is acidic and polar, with glutamine, which is neutral and polar, at codon 97 of the ATP5A1 protein (p.Glu97Gln). This variant is present in population databases (rs756361407, gnomAD 0.02%). This variant has not been reported in the literature in individuals affected with ATP5A1-related conditions. ClinVar contains an entry for this variant (Variation ID: 3457660). Invitae Evidence Modeling of protein sequence and biophysical properties (such as structural, functional, and spatial information, amino acid conservation, physicochemical variation, residue mobility, and thermodynamic stability) indicates that this missense variant is not expected to disrupt ATP5A1 protein function with a negative predictive value of 80%. In summary, the available evidence is currently insufficient to determine the role of this variant in disease. Therefore, it has been classified as a Variant of Uncertain Significance.

GeneDx
Classification: Uncertain significance. Last evaluated: 2024-12-18. Review status: criteria provided, single submitter. Criteria: GeneDx Variant Classification Process June 2021. Collection method: clinical testing. Allele origin: germline. Affected: yes.
Comment: In silico analysis supports that this missense variant has a deleterious effect on protein structure/function; Has not been previously published as pathogenic or benign to our knowledge; In silico analysis suggests this variant may impact gene splicing. In the absence of RNA/functional studies, the actual effect of this sequence change is unknown.

Ambry Genetics
Classification: Uncertain significance for Inborn genetic diseases. Last evaluated: 2024-10-08. Review status: criteria provided, single submitter. Criteria: Ambry Variant Classification Scheme 2023. Collection method: clinical testing. Allele origin: germline.